The following is an entry in ClinVar:

NM_004155.6(SERPINB9):c.48A>G (p.Leu16=)

Genes: SERPINB9 (serpin family B member 9; minus strand), SERPINB9-AS1 (SERPINB9 antisense RNA 1; plus strand). Cytogenetic location: 6p25.2.
Variant type: single nucleotide variant.
Coding change: c.48A>G on transcript NM_004155.6 (MANE Select); coding-DNA position 48, A replaced by G.
Protein change: p.Leu16=; no amino-acid change (leucine 16 retained).
Molecular consequence: synonymous variant. On other transcripts: non-coding transcript variant (1).
Genome position (GRCh38, 1-based): chr6:2,900,564, T>C on the plus strand (A>G on the coding strand, the complement: SERPINB9 is on the minus strand). VCF-style: chr6-2900564-T-C. GRCh37 (hg19) VCF-style: chr6-2900798-T-C.
Identifiers: ClinVar variation 4821250 (VCV004821250.4).

ClinVar aggregate classification (germline): Likely benign (1 of 4 stars; one submission).

Submission:

CeGaT Center for Human Genetics Tuebingen
Classification: Likely benign. Last evaluated: 2026-02-01. Review status: criteria provided, single submitter. Criteria: CeGaT Center For Human Genetics Tuebingen Variant Classification Criteria Version 2. Collection method: clinical testing. Allele origin: germline. Affected: yes. Observed: 1 variant allele.
Comment: SERPINB9: BP4, BP7